The following is an entry in ClinVar:

ClinVar aggregate classification (germline): Uncertain significance (1 of 4 stars; one submission).

Conditions:
Inborn genetic diseases. Identifiers: MedGen C0950123, MeSH D030342.

Submission:

Ambry Genetics
Classification: Uncertain significance for Inborn genetic diseases. Last evaluated: 2022-09-28. Review status: criteria provided, single submitter. Criteria: Ambry Variant Classification Scheme 2023. Collection method: clinical testing. Allele origin: germline.
Comment: The p.I475V variant (also known as c.1423A>G), located in coding exon 6 of the ATR gene, results from an A to G substitution at nucleotide position 1423. The isoleucine at codon 475 is replaced by valine, an amino acid with highly similar properties. This amino acid position is conserved. In addition, this alteration is predicted to be tolerated by in silico analysis. Since supporting evidence is limited at this time, the clinical significance of this alteration remains unclear.

NM_001184.4(ATR):c.1423A>G (p.Ile475Val)

Gene: ATR (ATR checkpoint kinase; minus strand). Cytogenetic location: 3q23.
Variant type: single nucleotide variant.
Coding change: c.1423A>G on transcript NM_001184.4 (MANE Select); coding-DNA position 1423, A replaced by G.
Protein change: p.Ile475Val; replaces isoleucine 475 with valine.
Molecular consequence: missense variant. On other transcripts: intron variant (1).
Genome position (GRCh38, 1-based): chr3:142,560,381, T>C on the plus strand (A>G on the coding strand, the complement: ATR is on the minus strand). VCF-style: chr3-142560381-T-C. GRCh37 (hg19) VCF-style: chr3-142279223-T-C.
Other names: c.1349+862A>G (NM_001354579.2); short protein forms I475V.
Identifiers: ClinVar variation 1772304 (VCV001772304.2), dbSNP rs2108483068, ClinGen allele CA354822921.